The following is an entry in ClinVar:

NM_001126108.2(SLC12A3):c.1620T>A (p.Tyr540Ter)

Gene: SLC12A3 (solute carrier family 12 member 3; plus strand). Cytogenetic location: 16q13.
Variant type: single nucleotide variant.
Coding change: c.1620T>A on transcript NM_001126108.2 (MANE Select); coding-DNA position 1620, T replaced by A.
Protein change: p.Tyr540Ter; replaces tyrosine 540 with a stop codon.
Molecular consequence: nonsense.
Genome position (GRCh38, 1-based): chr16:56,882,448, T>A. VCF-style: chr16-56882448-T-A. GRCh37 (hg19) VCF-style: chr16-56916360-T-A.
Other names: c.1620T>A, p.Tyr540Ter (NM_000339.3); c.1617T>A, p.Tyr539Ter (NM_001126107.2); short protein forms Y539*, Y540*.
Identifiers: ClinVar variation 1451756 (VCV001451756.7), dbSNP rs2144719508, ClinGen allele CA395989091.

ClinVar aggregate classification (germline): Pathogenic/Likely pathogenic. Review status: criteria provided, multiple submitters, no conflicts (2 of 4 stars). 2 submissions from 2 submitters: Pathogenic (1); Likely pathogenic (1). Last evaluated 2024-05-19.

Conditions:
Familial hypokalemia-hypomagnesemia (GTLMNS). Also called: HYPOMAGNESEMIA-HYPOKALEMIA, PRIMARY RENOTUBULAR, WITH HYPOCALCIURIA; POTASSIUM AND MAGNESIUM DEPLETION; gitelman syndrome. Identifiers: Orphanet 358, MedGen C0268450, MONDO:0009904, OMIM 263800.

Allele frequency attached by ClinVar (database versions not stated): gnomAD exomes below 0.00001.
gnomAD v4.1: 1 of 1,614,146 alleles (0.000062%); highest among the groups gnomAD compares: Non-Finnish European, 0.000085%; no homozygotes.

Submissions (2):

Fulgent Genetics
Classification: Likely pathogenic for Familial hypokalemia-hypomagnesemia. Last evaluated: 2024-05-19. Review status: criteria provided, single submitter. Criteria: ACMG Guidelines, 2015. Collection method: clinical testing. Allele origin: germline.

Labcorp Genetics (formerly Invitae), Labcorp
Classification: Pathogenic. Last evaluated: 2021-09-14. Review status: criteria provided, single submitter. Criteria: Invitae Variant Classification Sherloc (09022015). Collection method: clinical testing. Allele origin: germline.
Comment: This sequence change creates a premature translational stop signal (p.Tyr540*) in the SLC12A3 gene. It is expected to result in an absent or disrupted protein product. Loss-of-function variants in SLC12A3 are known to be pathogenic (PMID: 20848653, 22009145, 25841442). This variant is not present in population databases (ExAC no frequency). This variant has not been reported in the literature in individuals affected with SLC12A3-related conditions. Algorithms developed to predict the effect of sequence changes on RNA splicing suggest that this variant may create or strengthen a splice site. For these reasons, this variant has been classified as Pathogenic.

Literature cited by the submitters: PubMed 20848653 (cited by Labcorp Genetics (formerly Invitae), Labcorp); PubMed 22009145 (cited by Labcorp Genetics (formerly Invitae), Labcorp); PubMed 25841442 (cited by Labcorp Genetics (formerly Invitae), Labcorp).